The following is an entry in ClinVar:

ClinVar aggregate classification (germline): Uncertain significance (1 of 4 stars; one submission).

gnomAD v4.1: 1 of 1,613,640 alleles (0.000062%); highest among the groups gnomAD compares: Admixed American, 0.0017%; no homozygotes.

Submission:

Women's Health and Genetics/Laboratory Corporation of America, LabCorp
Classification: Uncertain significance. Last evaluated: 2025-03-13. Review status: criteria provided, single submitter. Criteria: LabCorp Variant Classification Summary - May 2015. Collection method: clinical testing. Allele origin: germline.
Comment: Variant summary: ASXL3 c.2837C>T (p.Ser946Phe) results in a non-conservative amino acid change in the encoded protein sequence. Four of five in-silico tools predict a damaging effect of the variant on protein function. The variant allele was found at a frequency of 4e-06 in 248094 control chromosomes. The available data on variant occurrences in the general population are insufficient to allow any conclusion about variant significance. To our knowledge, no occurrence of c.2837C>T in individuals affected with Bainbridge-Ropers Syndrome and no experimental evidence demonstrating its impact on protein function have been reported. No submitters have cited clinical-significance assessments for this variant to ClinVar. Based on the evidence outlined above, the variant was classified as uncertain significance.

NM_030632.3(ASXL3):c.2837C>T (p.Ser946Phe)

Gene: ASXL3 (ASXL transcriptional regulator 3; plus strand). Cytogenetic location: 18q12.1.
Variant type: single nucleotide variant.
Coding change: c.2837C>T on transcript NM_030632.3 (MANE Select); coding-DNA position 2837, C replaced by T.
Protein change: p.Ser946Phe; replaces serine 946 with phenylalanine.
Molecular consequence: missense variant.
Genome position (GRCh38, 1-based): chr18:33,740,241, C>T. VCF-style: chr18-33740241-C-T. GRCh37 (hg19) VCF-style: chr18-31320205-C-T.
Other names: short protein forms S946F.
Identifiers: ClinVar variation 3895671 (VCV003895671.1).